The following is an entry in ClinVar:

ClinVar aggregate classification (germline): Uncertain significance. Review status: criteria provided, multiple submitters, no conflicts (2 of 4 stars). 6 submissions from 6 submitters: Uncertain significance (6). Last evaluated 2025-12-26.

Conditions:
Familial prostate cancer. Also called: Hereditary Prostate Cancer. Identifiers: MedGen C2931456, MONDO:0700275, OMIM 176807.
Familial cancer of breast. Also called: hereditary breast carcinoma; BREAST CANCER, FAMILIAL; Hereditary breast cancer. Identifiers: Orphanet 227535, MedGen C0346153, MONDO:0016419, OMIM 114480. Disease mechanism: loss of function.
Breast-ovarian cancer, familial, susceptibility to, 2 (BROVCA2). Also called: BRCA2 Hereditary Breast and Ovarian Cancer. Identifiers: Orphanet 145, MedGen C2675520, MONDO:0012933, OMIM 612555. Disease mechanism: loss of function.
Medulloblastoma (MDB). Also called: Medulloblastoma, somatic; MEDULLOBLASTOMA PREDISPOSITION SYNDROME. Identifiers: Orphanet 616, MedGen C0025149, MeSH D008527, MONDO:0007959, OMIM 155255, HP:0002885.
Wilms tumor 1 (WT1). Also called: Wilms tumor, somatic. Identifiers: Orphanet 654, MedGen CN033288, MONDO:0008679, OMIM 194070.
Pancreatic cancer, susceptibility to, 2. Identifiers: Orphanet 1333, MedGen C3150546, MONDO:0013235, OMIM 613347.
Glioma susceptibility 3 (GLM3). Also called: Glioblastoma 3. Identifiers: Orphanet 182067, Orphanet 360, MedGen C2751641, MONDO:0013093, OMIM 613029.
Fanconi anemia complementation group D1. Also called: BRCA2-Related Fanconi Anemia. Identifiers: Orphanet 319462, MedGen C1838457, MONDO:0011584, OMIM 605724.
Hereditary cancer-predisposing syndrome. Also called: Hereditary Cancer Syndrome; Tumor predisposition; Neoplastic Syndromes, Hereditary; Hereditary neoplastic syndrome. Identifiers: Orphanet 140162, MedGen C0027672, MeSH D009386, MONDO:0015356.
Hereditary breast ovarian cancer syndrome. Also called: Breast and ovarian cancer; Hereditary breast and ovarian cancer syndrome; BRCA1- and BRCA2-Associated Hereditary Breast and Ovarian Cancer; Hereditary breast and ovarian cancer syndrome (HBOC); Hereditary breast and/or ovarian cancer syndrome; Hereditary breast and ovarian cancer. Identifiers: Orphanet 145, MedGen C0677776, MeSH D061325, MONDO:0003582. Disease mechanism: loss of function.

Allele frequency attached by ClinVar (database versions not stated): ExAC 0.00001; gnomAD exomes below 0.00001.
gnomAD v4.1: 1 of 1,609,056 alleles (0.000062%); highest among the groups gnomAD compares: South Asian, 0.0011%; no homozygotes.

Submissions (6):

Ambry Genetics
Classification: Uncertain significance for Hereditary cancer-predisposing syndrome. Last evaluated: 2025-12-26. Review status: criteria provided, single submitter. Criteria: Ambry Variant Classification Scheme 2023. Collection method: clinical testing. Allele origin: germline.
Comment: The c.475+4T>C intronic variant results from a T to C substitution 4 nucleotides after coding exon 4 in the BRCA2 gene. This nucleotide position is well conserved in available vertebrate species. In silico splice site analysis predicts that this alteration will not have any significant effect on splicing. Based on the available evidence, the clinical significance of this variant remains unclear.

Labcorp Genetics (formerly Invitae), Labcorp
Classification: Uncertain significance for Hereditary breast ovarian cancer syndrome. Last evaluated: 2024-02-23. Review status: criteria provided, single submitter. Criteria: Invitae Variant Classification Sherloc (09022015). Collection method: clinical testing. Allele origin: germline.
Comment: This sequence change falls in intron 5 of the BRCA2 gene. It does not directly change the encoded amino acid sequence of the BRCA2 protein. It affects a nucleotide within the consensus splice site. This variant is present in population databases (rs746963311, gnomAD 0.003%). This variant has not been reported in the literature in individuals affected with BRCA2-related conditions. ClinVar contains an entry for this variant (Variation ID: 438983). Variants that disrupt the consensus splice site are a relatively common cause of aberrant splicing (PMID: 17576681, 9536098). Algorithms developed to predict the effect of sequence changes on RNA splicing suggest that this variant is not likely to affect RNA splicing. In summary, the available evidence is currently insufficient to determine the role of this variant in disease. Therefore, it has been classified as a Variant of Uncertain Significance.

Fulgent Genetics
Classification: Uncertain significance for Familial cancer of breast; Medulloblastoma; Familial prostate cancer; Wilms tumor 1; Fanconi anemia complementation group D1; Breast-ovarian cancer, familial, susceptibility to, 2; Glioma susceptibility 3; Pancreatic cancer, susceptibility to, 2. Last evaluated: 2024-02-22. Review status: criteria provided, single submitter. Criteria: ACMG Guidelines, 2015. Collection method: clinical testing. Allele origin: germline.

KCCC/NGS Laboratory, Kuwait Cancer Control Center
Classification: Uncertain significance for Familial cancer of breast. Last evaluated: 2023-08-07. Review status: criteria provided, single submitter. Criteria: ACMG Guidelines, 2015. Collection method: clinical testing. Allele origin: germline. Inheritance: Autosomal dominant inheritance. Affected: yes. Observed: 1 heterozygote.
Comment: This sequence change falls in intron area of the BRCA2 gene. It does not directly change the encoded amino acid sequence of the BRCA2 protein. It affects a nucleotide within the consensus splice site. This variant is not present in population databases (gnomAD no frequency). This variant has not been reported in the literature in individuals affected with BRCA2-related conditions. ClinVar contains an entry for this variant (Variation ID: 438983). Variants that disrupt the consensus splice site are a relatively common cause of aberrant splicing (PMID: 17576681, 9536098). Algorithms developed to predict the effect of sequence changes on RNA splicing suggest that this variant is not likely to affect RNA splicing. In summary, the available evidence is currently insufficient to determine the role of this variant in disease. Therefore, it has been classified as a Variant of Uncertain Significance.

Color Diagnostics, LLC DBA Color Health
Classification: Uncertain significance for Hereditary cancer-predisposing syndrome. Last evaluated: 2019-05-16. Review status: criteria provided, single submitter. Criteria: ACMG Guidelines, 2015. Collection method: clinical testing. Allele origin: germline.

Quest Diagnostics Nichols Institute San Juan Capistrano
Classification: Uncertain significance. Last evaluated: 2016-09-23. Review status: criteria provided, single submitter. Criteria: Quest Diagnostics criteria. Collection method: clinical testing. Allele origin: germline.

Literature cited by the submitters: PubMed 17576681 (cited by Labcorp Genetics (formerly Invitae), Labcorp); PubMed 9536098 (cited by Labcorp Genetics (formerly Invitae), Labcorp).

NM_000059.4(BRCA2):c.475+4T>C

Gene: BRCA2 (BRCA2 DNA repair associated; plus strand). Cytogenetic location: 13q13.1.
Variant type: single nucleotide variant.
Coding change: c.475+4T>C on transcript NM_000059.4 (MANE Select); 4 bases into the intron after coding-DNA position 475, T replaced by C.
Molecular consequence: intron variant.
Genome position (GRCh38, 1-based): chr13:32,326,154, T>C. VCF-style: chr13-32326154-T-C. GRCh37 (hg19) VCF-style: chr13-32900291-T-C.
Identifiers: ClinVar variation 438983 (VCV000438983.11), dbSNP rs746963311, ClinGen allele CA6940371.
Genomic context (GRCh38, chr13:32,326,154, plus strand): 5'-ATTTTAGTCCTGTTGTTCTACAATGTACACATGTAACACCACAAAGAGATAAGTCAGGTA[T>C]GATTAAAAACAATGCTTTTTATTCTTAGAATACTAGAAATGTTAATAAAAATAAAACTTA-3'